The following is an entry in ClinVar:

ClinVar aggregate classification (germline): Uncertain significance (1 of 4 stars; one submission).

Conditions:
Heterotopia, periventricular, X-linked dominant (PVNH1). Also called: PERIVENTRICULAR NODULAR HETEROTOPIA 1; X-linked periventricular heterotopia; PERIVENTRICULAR NODULAR HETEROTOPIA 4; HETEROTOPIA, PERIVENTRICULAR, 1. Identifiers: Orphanet 2149, Orphanet 82004, MedGen C1848213, MONDO:0010233, OMIM 300049.
Melnick-Needles syndrome (MNS). Also called: MELNICK-NEEDLES OSTEODYSPLASTY; OSTEODYSPLASTY OF MELNICK AND NEEDLES; Melnick-Needles Syndrome (FLNA-MNS). Identifiers: Orphanet 2484, MedGen C0025237, MONDO:0010650, OMIM 309350.
Frontometaphyseal dysplasia (FMD1). Identifiers: Orphanet 1826, MedGen C0265293, MONDO:0015942.
Oto-palato-digital syndrome, type II (OPD2). Also called: FACIOPALATOOSSEOUS SYNDROME; OPD II SYNDROME; Otopalatodigital Syndrome Type 2 (FLNA-OPD2); Otopalatodigital Syndrome, Type II. Identifiers: Orphanet 669, Orphanet 90652, MedGen C1844696, MONDO:0010571, OMIM 304120.

Submission:

Labcorp Genetics (formerly Invitae), Labcorp
Classification: Uncertain significance for Oto-palato-digital syndrome, type II; Heterotopia, periventricular, X-linked dominant; Frontometaphyseal dysplasia; Melnick-Needles syndrome. Last evaluated: 2025-09-22. Review status: criteria provided, single submitter. Criteria: Invitae Variant Classification Sherloc (09022015). Collection method: clinical testing. Allele origin: germline.
Comment: This sequence change falls in intron 46 of the FLNA gene. It does not directly change the encoded amino acid sequence of the FLNA protein. It affects a nucleotide within the consensus splice site. This variant is not present in population databases (gnomAD no frequency). This variant has not been reported in the literature in individuals affected with FLNA-related conditions. Variants that disrupt the consensus splice site are a relatively common cause of aberrant splicing (PMID: 17576681, 9536098). Algorithms developed to predict the effect of sequence changes on RNA splicing suggest that this variant is not likely to affect RNA splicing. In summary, the available evidence is currently insufficient to determine the role of this variant in disease. Therefore, it has been classified as a Variant of Uncertain Significance.

Literature cited by the submitters: PubMed 17576681; PubMed 9536098.

NM_001110556.2(FLNA):c.7756+3G>A

Genes: FLNA (filamin A; minus strand), LOC107988032 (Xq28 proximal FLNA-EMD recombination region; plus strand). Cytogenetic location: Xq28.
Variant type: single nucleotide variant.
Coding change: c.7756+3G>A on transcript NM_001110556.2 (MANE Select); 3 bases into the intron after coding-DNA position 7756, G replaced by A.
Molecular consequence: intron variant.
Genome position (GRCh38, 1-based): chrX:154,349,359, C>T on the plus strand (G>A on the coding strand, the complement: FLNA is on the minus strand). VCF-style: chrX-154349359-C-T. GRCh37 (hg19) VCF-style: chrX-153577727-C-T.
Other names: c.7732+3G>A (NM_001456.4).
Identifiers: ClinVar variation 4793292 (VCV004793292.1).